The following is an entry in ClinVar:

ClinVar aggregate classification (germline): Uncertain significance (1 of 4 stars; one submission).

Conditions:
Pyruvate carboxylase deficiency. Also called: PC DEFICIENCY; ATAXIA WITH LACTIC ACIDOSIS II; Pyruvate Carboxylase Deficiency Disease; LEIGH NECROTIZING ENCEPHALOPATHY DUE TO PYRUVATE CARBOXYLASE DEFICIENCY; LEIGH SYNDROME DUE TO PYRUVATE CARBOXYLASE DEFICIENCY. Identifiers: Orphanet 3008, MedGen C0034341, MONDO:0009949, OMIM 266150.

Allele frequency attached by ClinVar (database versions not stated): ExAC 0.00001; gnomAD exomes 0.00001.
gnomAD v4.1: 12 of 1,614,034 alleles (0.00074%); highest among the groups gnomAD compares: Middle Eastern, 0.016%; no homozygotes.

Submission:

Labcorp Genetics (formerly Invitae), Labcorp
Classification: Uncertain significance for Pyruvate carboxylase deficiency. Last evaluated: 2021-11-04. Review status: criteria provided, single submitter. Criteria: Invitae Variant Classification Sherloc (09022015). Collection method: clinical testing. Allele origin: germline.
Comment: This sequence change falls in intron 5 of the PC gene. It does not directly change the encoded amino acid sequence of the PC protein. This variant is present in population databases (rs766680971, gnomAD 0.01%). This variant has not been reported in the literature in individuals affected with PC-related conditions. Algorithms developed to predict the effect of sequence changes on RNA splicing suggest that this variant may create or strengthen a splice site. In summary, the available evidence is currently insufficient to determine the role of this variant in disease. Therefore, it has been classified as a Variant of Uncertain Significance.

NM_001040716.2(PC):c.487+7A>G

Gene: PC (pyruvate carboxylase; minus strand). Cytogenetic location: 11q13.2.
Variant type: single nucleotide variant.
Coding change: c.487+7A>G on transcript NM_001040716.2 (MANE Select); 7 bases into the intron after coding-DNA position 487, A replaced by G.
Molecular consequence: intron variant.
Genome position (GRCh38, 1-based): chr11:66,871,308, T>C on the plus strand (A>G on the coding strand, the complement: PC is on the minus strand). VCF-style: chr11-66871308-T-C. GRCh37 (hg19) VCF-style: chr11-66638779-T-C.
Other names: c.487+7A>G (NM_000920.4, NM_022172.3).
Identifiers: ClinVar variation 1384971 (VCV001384971.3), dbSNP rs766680971, ClinGen allele CA6132213.
Genomic context (GRCh38, chr11:66,871,308, plus strand): 5'-CCACCCCTCCCTGCTGGACCCTCTCCAGGAGCTGCGGGGCCACCCCTTGCTTGCCCGTTA[T>C]ATTCACCCGCAGCAATGGCGATGGCCCGGGCCTCCACCTTGTCTCCCATCTTGCGGACCA-3'